The following is an entry in ClinVar:

NM_020922.5(WNK3):c.4715G>T (p.Ser1572Ile)

Gene: WNK3 (WNK lysine deficient protein kinase 3; minus strand). Cytogenetic location: Xp11.22.
Variant type: single nucleotide variant.
Coding change: c.4715G>T on transcript NM_020922.5 (MANE Select); coding-DNA position 4715, G replaced by T.
Protein change: p.Ser1572Ile; replaces serine 1572 with isoleucine.
Molecular consequence: missense variant.
Genome position (GRCh38, 1-based): chrX:54,232,934, C>A on the plus strand (G>T on the coding strand, the complement: WNK3 is on the minus strand). VCF-style: chrX-54232934-C-A. GRCh37 (hg19) VCF-style: chrX-54259367-C-A.
Other names: c.4574G>T, p.Ser1525Ile (NM_001002838.4, NM_001395166.1); short protein forms S1525I, S1572I.
Identifiers: ClinVar variation 3367659 (VCV003367659.1).

ClinVar aggregate classification (germline): Uncertain significance (1 of 4 stars; one submission).

Submission:

GeneDx
Classification: Uncertain significance. Last evaluated: 2024-03-06. Review status: criteria provided, single submitter. Criteria: GeneDx Variant Classification Process June 2021. Collection method: clinical testing. Allele origin: germline. Affected: yes.
Comment: Not observed at significant frequency in large population cohorts (gnomAD); In silico analysis supports that this missense variant does not alter protein structure/function; Has not been previously published as pathogenic or benign to our knowledge